The following is an entry in ClinVar:

ClinVar aggregate classification (germline): Uncertain significance (1 of 4 stars; one submission).

Conditions:
Holoprosencephaly 2 (HPE2). Identifiers: Orphanet 2162, MedGen C1834877, MONDO:0007999, OMIM 157170.

Submission:

Labcorp Genetics (formerly Invitae), Labcorp
Classification: Uncertain significance for Holoprosencephaly 2. Last evaluated: 2022-06-25. Review status: criteria provided, single submitter. Criteria: Invitae Variant Classification Sherloc (09022015). Collection method: clinical testing. Allele origin: germline.
Comment: In summary, the available evidence is currently insufficient to determine the role of this variant in disease. Therefore, it has been classified as a Variant of Uncertain Significance. Experimental studies and prediction algorithms are not available or were not evaluated, and the functional significance of this variant is currently unknown. This variant has not been reported in the literature in individuals affected with SIX3-related conditions. This variant is present in population databases (no rsID available, gnomAD 0.02%). This variant, c.142_150del, results in the deletion of 3 amino acid(s) of the SIX3 protein (p.Ser48_Gly50del), but otherwise preserves the integrity of the reading frame.

NM_005413.4(SIX3):c.142_150del (p.Ser48_Gly50del)

Gene: SIX3 (SIX homeobox 3; plus strand). Cytogenetic location: 2p21.
Variant type: Deletion.
Coding change: c.142_150del on transcript NM_005413.4 (MANE Select); coding-DNA positions 142 to 150, 9 bases deleted (AGCGGCGGC; older notation c.142_150delAGCGGCGGC).
Protein change: p.Ser48_Gly50del.
Molecular consequence: inframe deletion.
Genome position (GRCh38, 1-based): chr2:44,942,246-44,942,254, AGCGGCGGC deleted; deleting any 9 consecutive bases within chr2:44,942,240-44,942,254 gives the same sequence; the c. name uses the placement nearest the transcript's 3' end. VCF-style (leftmost placement, unchanged base first): chr2-44942239-AGGCGGCAGC-A. GRCh37 (hg19) VCF-style: chr2-45169378-AGGCGGCAGC-A.
Identifiers: ClinVar variation 2166932 (VCV002166932.4), dbSNP rs930320291, ClinGen allele CA532706662.